The following is an entry in ClinVar:

NM_000312.4(PROC):c.566G>A (p.Arg189Gln)

Gene: PROC (protein C, inactivator of coagulation factors Va and VIIIa; plus strand). Cytogenetic location: 2q14.3.
Variant type: single nucleotide variant.
Coding change: c.566G>A on transcript NM_000312.4 (MANE Select); coding-DNA position 566, G replaced by A.
Protein change: p.Arg189Gln; replaces arginine 189 with glutamine.
Molecular consequence: missense variant.
Genome position (GRCh38, 1-based): chr2:127,426,115, G>A. VCF-style: chr2-127426115-G-A. GRCh37 (hg19) VCF-style: chr2-128183691-G-A.
Other names: c.749G>A, p.Arg250Gln (NM_001375602.1); c.731G>A, p.Arg244Gln (NM_001375603.1); c.629G>A, p.Arg210Gln (NM_001375604.1); c.668G>A, p.Arg223Gln (NM_001375605.1); c.734G>A, p.Arg245Gln (NM_001375606.1); c.752G>A, p.Arg251Gln (NM_001375607.1); c.509G>A, p.Arg170Gln (NM_001375608.1); c.542G>A, p.Arg181Gln (NM_001375609.1); and 2 more; short protein forms R210Q, R251Q, R181Q, R189Q, R244Q, R170Q, R187Q, R223Q.
Identifiers: ClinVar variation 892839 (VCV000892839.5), dbSNP rs1270397879, ClinGen allele CA348401104.
Genomic context (GRCh38, chr2:127,426,115, plus strand): 5'-CAGGCCCCTCACCACCTCTGCCTACCTCAGTGAAGTTCCCTTGTGGGAGGCCCTGGAAGC[G>A]GATGGAGAAGAAGCGCAGTCACCTGAAACGAGACACAGAAGACCAAGAAGACCAAGTAGA-3'
Protein context (NP_000303.1, residues 179-199): VKFPCGRPWK[Arg189Gln]MEKKRSHLKR

ClinVar aggregate classification (germline): Uncertain significance. Review status: criteria provided, multiple submitters, no conflicts (2 of 4 stars). 2 submissions from 2 submitters: Uncertain significance (2). Last evaluated 2025-06-27.

Conditions:
Thrombophilia due to protein C deficiency, autosomal dominant. Also called: PROC DEFICIENCY, AUTOSOMAL DOMINANT; PROTEIN C DEFICIENCY, AUTOSOMAL DOMINANT. Identifiers: Orphanet 745, MedGen C2674321, MONDO:0008316, OMIM 176860. Disease mechanism: loss of function.
PROC-related disorder. Also called: PROC-related condition.

Allele frequency attached by ClinVar (database versions not stated): gnomAD exomes 0.00002; TOPMed 0.00005.
gnomAD v4.1: 19 of 1,613,962 alleles (0.0012%); highest among the groups gnomAD compares: African/African-American, 0.004%; no homozygotes.

Submissions (2):

PreventionGenetics, part of Exact Sciences
Classification: Uncertain significance for PROC-related condition. Last evaluated: 2025-06-27. Review status: criteria provided, single submitter. Criteria: ACMG Guidelines, 2015. Collection method: clinical testing. Allele origin: germline.
Comment: The PROC c.566G>A variant is predicted to result in the amino acid substitution p.Arg189Gln. This variant has been reported in an individual with venous thromboembolism (Noiri et al. 2022. PubMed ID: 36312771). This variant is reported in 0.0085% of alleles in individuals of Latino descent in gnomAD. At this time, the clinical significance of this variant is uncertain due to the absence of conclusive functional and genetic evidence.

Illumina Laboratory Services, Illumina
Classification: Uncertain significance for Thrombophilia due to protein C deficiency, autosomal dominant. Last evaluated: 2017-04-27. Review status: criteria provided, single submitter. Criteria: ICSL Variant Classification Criteria 13 December 2019. Collection method: clinical testing. Allele origin: germline.